The following is an entry in ClinVar:

NM_198053.3(CD247):c.2T>C (p.Met1Thr)

Gene: CD247 (CD247 molecule; minus strand). Cytogenetic location: 1q24.2.
Variant type: single nucleotide variant.
Coding change: c.2T>C on transcript NM_198053.3 (MANE Select); coding-DNA position 2, T replaced by C.
Protein change: p.Met1Thr; changes the start codon (methionine 1).
Molecular consequence: missense variant, initiator codon variant.
Genome position (GRCh38, 1-based): chr1:167,518,464, A>G on the plus strand (T>C on the coding strand, the complement: CD247 is on the minus strand). VCF-style: chr1-167518464-A-G. GRCh37 (hg19) VCF-style: chr1-167487701-A-G.
Other names: c.2T>C, p.Met1Thr (NM_000734.4, NM_001378515.1, NM_001378516.1); short protein forms M1T.
Identifiers: ClinVar variation 162005 (VCV000162005.3), dbSNP rs672601318, ClinGen allele CA174943.

ClinVar aggregate classification (germline): Pathogenic (0 of 4 stars; one submission).

Conditions:
Immunodeficiency 25. Also called: Immunodeficiency due to defect in cd3-zeta, somatic. Identifiers: MedGen C1857798, MONDO:0012426, OMIM 610163.

Submission:

Department of Immunology, School of Medicine, Complutense University
Classification: Pathogenic for severe combined immunodeficiency. Last evaluated: 2013-12-16. Review status: no assertion criteria provided. Collection method: case-control. Allele origin: inherited. Affected: yes. Observed: 7 variant alleles.
Comment: Immunodeficiency due to defect in CD247-zeta